The following is an entry in ClinVar:

NM_005751.5(AKAP9):c.5380T>A (p.Ser1794Thr)

Gene: AKAP9 (A-kinase anchoring protein 9; plus strand). Cytogenetic location: 7q21.2.
Variant type: single nucleotide variant.
Coding change: c.5380T>A on transcript NM_005751.5 (MANE Select); coding-DNA position 5380, T replaced by A.
Protein change: p.Ser1794Thr; replaces serine 1794 with threonine.
Molecular consequence: missense variant.
Genome position (GRCh38, 1-based): chr7:92,052,737, T>A. VCF-style: chr7-92052737-T-A. GRCh37 (hg19) VCF-style: chr7-91682051-T-A.
Other names: c.5380T>A, p.Ser1794Thr (NM_147185.3); short protein forms S1794T.
Identifiers: ClinVar variation 5040203 (VCV005040203.1).

ClinVar aggregate classification (germline): Uncertain significance (1 of 4 stars; one submission).

Submission:

CeGaT Center for Human Genetics Tuebingen
Classification: Uncertain significance. Last evaluated: 2026-07-01. Review status: criteria provided, single submitter. Criteria: CeGaT Center For Human Genetics Tuebingen Variant Classification Criteria Version 2. Collection method: clinical testing. Allele origin: germline. Affected: yes. Observed: 1 variant allele.
Comment: AKAP9: PM2, BP4